The following is an entry in ClinVar:

NM_005546.4(ITK):c.1048G>A (p.Gly350Arg)

Gene: ITK (IL2 inducible T cell kinase; plus strand). Cytogenetic location: 5q33.3.
Variant type: single nucleotide variant.
Coding change: c.1048G>A on transcript NM_005546.4 (MANE Select); coding-DNA position 1048, G replaced by A.
Protein change: p.Gly350Arg; replaces glycine 350 with arginine.
Molecular consequence: missense variant.
Genome position (GRCh38, 1-based): chr5:157,241,708, G>A. VCF-style: chr5-157241708-G-A. GRCh37 (hg19) VCF-style: chr5-156668718-G-A.
Other names: short protein forms G350R.
Identifiers: ClinVar variation 2826319 (VCV002826319.3), dbSNP rs2532151612, ClinGen allele CA361959046.
Genomic context (GRCh38, chr5:157,241,708, plus strand): 5'-CTGGTGACTCGACTCCGGTATCCAGTTTGTTTTGGGAGGCAGAAAGCCCCAGTTACAGCA[G>A]GGCTGAGATACGGTGAGCAGTACAATCAGGAATGTAAACTCATGTCCCTAAAGGTCTGGG-3'
Protein context (NP_005537.3, residues 340-360): FGRQKAPVTA[Gly350Arg]LRYGKWVIDP

ClinVar aggregate classification (germline): Uncertain significance (1 of 4 stars; one submission).

Conditions:
Lymphoproliferative syndrome 1 (LPFS1). Identifiers: Orphanet 238505, Orphanet 538963, MedGen C3552634, MONDO:0013081, OMIM 613011.

Submission:

Labcorp Genetics (formerly Invitae), Labcorp
Classification: Uncertain significance for Lymphoproliferative syndrome 1. Last evaluated: 2023-01-05. Review status: criteria provided, single submitter. Criteria: Invitae Variant Classification Sherloc (09022015). Collection method: clinical testing. Allele origin: germline.
Comment: Advanced modeling of protein sequence and biophysical properties (such as structural, functional, and spatial information, amino acid conservation, physicochemical variation, residue mobility, and thermodynamic stability) performed at Invitae indicates that this missense variant is not expected to disrupt ITK protein function. In summary, the available evidence is currently insufficient to determine the role of this variant in disease. Therefore, it has been classified as a Variant of Uncertain Significance. Algorithms developed to predict the effect of sequence changes on RNA splicing suggest that this variant may create or strengthen a splice site. This variant has not been reported in the literature in individuals affected with ITK-related conditions. This variant is not present in population databases (gnomAD no frequency). This sequence change replaces glycine, which is neutral and non-polar, with arginine, which is basic and polar, at codon 350 of the ITK protein (p.Gly350Arg).